The following is an entry in ClinVar:

ClinVar aggregate classification (germline): Uncertain significance. Review status: criteria provided, multiple submitters, no conflicts (2 of 4 stars). 2 submissions from 2 submitters: Uncertain significance (2). Last evaluated 2024-10-19.

Conditions:
Inborn genetic diseases. Identifiers: MedGen C0950123, MeSH D030342.

Allele frequency attached by ClinVar (database versions not stated): gnomAD exomes 0.00003; ExAC 0.00005; ESP Exome Variant Server 0.00008.

Submissions (2):

Ambry Genetics
Classification: Uncertain significance for Inborn genetic diseases. Last evaluated: 2024-10-19. Review status: criteria provided, single submitter. Criteria: Ambry Variant Classification Scheme 2023. Collection method: clinical testing. Allele origin: germline.

Labcorp Genetics (formerly Invitae), Labcorp
Classification: Uncertain significance. Last evaluated: 2024-01-09. Review status: criteria provided, single submitter. Criteria: Invitae Variant Classification Sherloc (09022015). Collection method: clinical testing. Allele origin: germline.
Comment: This sequence change replaces arginine, which is basic and polar, with tryptophan, which is neutral and slightly polar, at codon 1018 of the WDR62 protein (p.Arg1018Trp). The frequency data for this variant in the population databases is considered unreliable, as metrics indicate poor data quality at this position in the gnomAD database. This variant has not been reported in the literature in individuals affected with WDR62-related conditions. Advanced modeling of protein sequence and biophysical properties (such as structural, functional, and spatial information, amino acid conservation, physicochemical variation, residue mobility, and thermodynamic stability) performed at Invitae indicates that this missense variant is not expected to disrupt WDR62 protein function with a negative predictive value of 80%. In summary, the available evidence is currently insufficient to determine the role of this variant in disease. Therefore, it has been classified as a Variant of Uncertain Significance.

NM_001083961.2(WDR62):c.3052C>T (p.Arg1018Trp)

Gene: WDR62 (WD repeat domain 62; plus strand). Cytogenetic location: 19q13.12.
Variant type: single nucleotide variant.
Coding change: c.3052C>T on transcript NM_001083961.2 (MANE Select); coding-DNA position 3052, C replaced by T.
Protein change: p.Arg1018Trp; replaces arginine 1018 with tryptophan.
Molecular consequence: missense variant. On other transcripts: intron variant (1).
Genome position (GRCh38, 1-based): chr19:36,101,744, C>T. VCF-style: chr19-36101744-C-T. GRCh37 (hg19) VCF-style: chr19-36592646-C-T.
Other names: c.3037C>T, p.Arg1013Trp (NM_001411145.1); c.2701C>T, p.Arg901Trp (NM_001411147.1); c.3052C>T, p.Arg1018Trp (NM_173636.5); c.2971+427C>T (NM_001411146.1); c.3052C>T (NM_001083961.1); short protein forms R901W, R1013W, R1018W.
Identifiers: ClinVar variation 2754103 (VCV002754103.2), dbSNP rs372458386, ClinGen allele CA9396125.